The following is an entry in ClinVar:

NM_002354.3(EPCAM):c.671C>G (p.Ser224Cys)

Gene: EPCAM (epithelial cell adhesion molecule; plus strand). Cytogenetic location: 2p21.
Variant type: single nucleotide variant.
Coding change: c.671C>G on transcript NM_002354.3 (MANE Select); coding-DNA position 671, C replaced by G.
Protein change: p.Ser224Cys; replaces serine 224 with cysteine.
Molecular consequence: missense variant.
Genome position (GRCh38, 1-based): chr2:47,379,782, C>G. VCF-style: chr2-47379782-C-G. GRCh37 (hg19) VCF-style: chr2-47606921-C-G.
Other names: short protein forms S224C.
Identifiers: ClinVar variation 2566633 (VCV002566633.2), dbSNP rs2103758738, ClinGen allele CA346724348.

ClinVar aggregate classification (germline): Uncertain significance (1 of 4 stars; one submission).

Conditions:
Hereditary cancer-predisposing syndrome. Also called: Hereditary neoplastic syndrome; Hereditary Cancer Syndrome; Neoplastic Syndromes, Hereditary; Tumor predisposition. Identifiers: Orphanet 140162, MedGen C0027672, MeSH D009386, MONDO:0015356.

Submission:

Ambry Genetics
Classification: Uncertain significance for Hereditary cancer-predisposing syndrome. Last evaluated: 2023-05-02. Review status: criteria provided, single submitter. Criteria: Ambry Variant Classification Scheme 2023. Collection method: clinical testing. Allele origin: germline.
Comment: The p.S224C variant (also known as c.671C>G), located in coding exon 7 of the EPCAM gene, results from a C to G substitution at nucleotide position 671. The serine at codon 224 is replaced by cysteine, an amino acid with dissimilar properties. This amino acid position is conserved. In addition, the in silico prediction for this alteration is inconclusive. Since supporting evidence is limited at this time, the clinical significance of this alteration remains unclear.